The following is an entry in ClinVar:

NM_001848.3(COL6A1):c.2746G>A (p.Val916Ile)

Gene: COL6A1 (collagen type VI alpha 1 chain; plus strand). Cytogenetic location: 21q22.3.
Variant type: single nucleotide variant.
Coding change: c.2746G>A on transcript NM_001848.3 (MANE Select); coding-DNA position 2746, G replaced by A.
Protein change: p.Val916Ile; replaces valine 916 with isoleucine.
Molecular consequence: missense variant.
Genome position (GRCh38, 1-based): chr21:46,003,672, G>A. VCF-style: chr21-46003672-G-A. GRCh37 (hg19) VCF-style: chr21-47423586-G-A.
Other names: short protein forms V916I.
Identifiers: ClinVar variation 420901 (VCV000420901.21), dbSNP rs563043611, ClinGen allele CA10071020.

ClinVar aggregate classification (germline): Conflicting classifications of pathogenicity. Review status: criteria provided, conflicting classifications (1 of 4 stars). 6 submissions from 6 submitters: Uncertain significance (3); Benign (1); Likely benign (1). 1 of the submissions does not count toward it. Last evaluated 2026-01-26.

Conditions:
COL6A1-related disorder. Also called: COL6A1-related condition.
Bethlem myopathy 1A. Also called: Bethlem myopathy 1; MYOPATHY, BENIGN CONGENITAL, WITH CONTRACTURES; Bethlem Muscular Dystrophy. Identifiers: Orphanet 610, MedGen CN029274, MONDO:0024530, OMIM 158810.

Allele frequency attached by ClinVar (database versions not stated): ExAC 0.00006; gnomAD 0.00006 and 0.00009; gnomAD exomes 0.00007 and 0.00002; TOPMed 0.00010.
gnomAD v4.1: 46 of 1,613,090 alleles (0.0029%); highest among the groups gnomAD compares: Admixed American, 0.037%; no homozygotes.

Submissions (6):

Labcorp Genetics (formerly Invitae), Labcorp
Classification: Benign for Bethlem myopathy 1A. Last evaluated: 2026-01-26. Review status: criteria provided, single submitter. Criteria: Invitae Variant Classification Sherloc (09022015). Collection method: clinical testing. Allele origin: germline.

Women's Health and Genetics/Laboratory Corporation of America, LabCorp
Classification: Likely benign. Last evaluated: 2025-04-29. Review status: criteria provided, single submitter. Criteria: LabCorp Variant Classification Summary - May 2015. Collection method: clinical testing. Allele origin: germline.
Comment: Variant summary: COL6A1 c.2746G>A (p.Val916Ile) results in a conservative amino acid change located in the von Willebrand factor, type A domain (IPR002035) of the encoded protein sequence. Three of five in-silico tools predict a benign effect of the variant on protein function. The variant allele was found at a frequency of 6.8e-05 in 249044 control chromosomes. The observed variant frequency is approximately 143.71 fold of the estimated maximal expected allele frequency for a pathogenic variant in COL6A1 causing Collagen Type VI-Related Disorders phenotype (4.8e-07). To our knowledge, no occurrence of c.2746G>A in individuals affected with Collagen Type VI-Related Disorders and no experimental evidence demonstrating its impact on protein function have been reported. ClinVar contains an entry for this variant (Variation ID: 420901). Based on the evidence outlined above, the variant was classified as likely benign.

Revvity Omics, Revvity
Classification: Uncertain significance. Last evaluated: 2020-11-05. Review status: criteria provided, single submitter. Criteria: ACMG Guidelines, 2015. Collection method: clinical testing. Allele origin: germline.

GeneDx
Classification: Uncertain significance. Last evaluated: 2020-08-20. Review status: criteria provided, single submitter. Criteria: GeneDx Variant Classification Process June 2021. Collection method: clinical testing. Allele origin: germline. Affected: yes.
Comment: In silico analysis supports that this missense variant does not alter protein structure/function; Has not been previously published as pathogenic or benign to our knowledge

Eurofins Ntd Llc (ga)
Classification: Uncertain significance. Last evaluated: 2018-07-12. Review status: criteria provided, single submitter. Criteria: EGL ClinVar v180209 classification definitions. Collection method: clinical testing. Allele origin: germline. Observed: 1 variant allele, 1 heterozygote.

PreventionGenetics, part of Exact Sciences
Classification: Uncertain significance for COL6A1-related condition. Last evaluated: 2024-05-03. Review status: no assertion criteria provided. Collection method: clinical testing. Allele origin: germline. Not counted in ClinVar's aggregate classification.
Comment: The COL6A1 c.2746G>A variant is predicted to result in the amino acid substitution p.Val916Ile. To our knowledge, this variant has not been reported in the literature. This variant is reported in 0.042% of alleles in individuals of Latino descent in gnomAD. At this time, the clinical significance of this variant is uncertain due to the absence of conclusive functional and genetic evidence.